The following is an entry in ClinVar:

NM_000019.4(ACAT1):c.631C>T (p.Gln211Ter)

Gene: ACAT1 (acetyl-CoA acetyltransferase 1; plus strand). Cytogenetic location: 11q22.3.
Variant type: single nucleotide variant.
Coding change: c.631C>T on transcript NM_000019.4 (MANE Select); coding-DNA position 631, C replaced by T.
Protein change: p.Gln211Ter; replaces glutamine 211 with a stop codon.
Molecular consequence: nonsense. On other transcripts: non-coding transcript variant (2).
Genome position (GRCh38, 1-based): chr11:108,140,116, C>T. VCF-style: chr11-108140116-C-T. GRCh37 (hg19) VCF-style: chr11-108010843-C-T.
Other names: c.631C>T, p.Gln211Ter (NM_001386677.1); c.316C>T, p.Gln106Ter (NM_001386678.1); c.334C>T, p.Gln112Ter (NM_001386679.1); c.361C>T, p.Gln121Ter (NM_001386681.1, NM_001386682.1, NM_001386685.1 and 6 more transcripts); short protein forms Q106*, Q112*, Q121*, Q211*.
Identifiers: ClinVar variation 5013260 (VCV005013260.1).
Genomic context (GRCh38, chr11:108,140,116, plus strand): 5'-TTTTATCAGGGCAGCTGTGCTGAGAATACAGCAAAGAAGCTGAATATTGCACGAAATGAA[C>T]AGGACGCTTATGCTATTAATTCTTATACCAGAAGTAAAGCAGCATGGGAAGCTGGGAAAT-3'

ClinVar aggregate classification (germline): Pathogenic (1 of 4 stars; one submission).

Conditions:
Deficiency of acetyl-CoA acetyltransferase. Also called: 3-KETOTHIOLASE DEFICIENCY; 3-OXOTHIOLASE DEFICIENCY; MITOCHONDRIAL ACETOACETYL-CoA THIOLASE DEFICIENCY; Beta-ketothiolase deficiency. Identifiers: Orphanet 134, MedGen C1536500, MONDO:0008760, OMIM 203750. Disease mechanism: loss of function.

Submission:

Myriad Genetics, Inc.
Classification: Pathogenic for Deficiency of acetyl-CoA acetyltransferase. Last evaluated: 2024-06-30. Review status: criteria provided, single submitter. Criteria: Myriad Autosomal Dominant, Autosomal Recessive and X-Linked Classification Criteria (2023). Collection method: clinical testing. Allele origin: unknown.
Comment: NM_000019.3(ACAT1):c.631C>T(Q211*) is expected to be pathogenic in the context of beta-ketothiolase deficiency. This variant is predicted to lead to an abnormal or absent protein product due to the creation of a premature termination codon in ACAT1, a gene where loss-of-function variants are known to be pathogenic. Please note: this variant was assessed in the context of healthy population screening.